The following is an entry in ClinVar:

NM_020832.3(ZNF687):c.1471T>C (p.Ser491Pro)

Gene: ZNF687 (zinc finger protein 687; plus strand). Cytogenetic location: 1q21.3.
Variant type: single nucleotide variant.
Coding change: c.1471T>C on transcript NM_020832.3 (MANE Select); coding-DNA position 1471, T replaced by C.
Protein change: p.Ser491Pro; replaces serine 491 with proline.
Molecular consequence: missense variant.
Genome position (GRCh38, 1-based): chr1:151,287,762, T>C. VCF-style: chr1-151287762-T-C. GRCh37 (hg19) VCF-style: chr1-151260238-T-C.
Other names: c.1471T>C, p.Ser491Pro (NM_001304763.2, NM_001304764.2); short protein forms S491P.
Identifiers: ClinVar variation 1436726 (VCV001436726.6), dbSNP rs753084568, ClinGen allele CA1088341.

ClinVar aggregate classification (germline): Uncertain significance (1 of 4 stars; one submission).

Allele frequency attached by ClinVar (database versions not stated): ExAC 0.00002; gnomAD exomes 0.00002 and 0.00004; gnomAD 0.00004; TOPMed 0.00004.
gnomAD v4.1: 66 of 1,613,872 alleles (0.0041%); highest among the groups gnomAD compares: Non-Finnish European, 0.0051%; no homozygotes.

Submission:

Labcorp Genetics (formerly Invitae), Labcorp
Classification: Uncertain significance. Last evaluated: 2024-07-15. Review status: criteria provided, single submitter. Criteria: Invitae Variant Classification Sherloc (09022015). Collection method: clinical testing. Allele origin: germline.
Comment: This sequence change replaces serine, which is neutral and polar, with proline, which is neutral and non-polar, at codon 491 of the ZNF687 protein (p.Ser491Pro). This variant is present in population databases (rs753084568, gnomAD 0.008%). This variant has not been reported in the literature in individuals affected with ZNF687-related conditions. ClinVar contains an entry for this variant (Variation ID: 1436726). An algorithm developed to predict the effect of missense changes on protein structure and function (PolyPhen-2) suggests that this variant is likely to be disruptive. In summary, the available evidence is currently insufficient to determine the role of this variant in disease. Therefore, it has been classified as a Variant of Uncertain Significance.